The following is an entry in ClinVar:

NM_002335.4(LRP5):c.946G>A (p.Glu316Lys)

Gene: LRP5 (LDL receptor related protein 5; plus strand). Cytogenetic location: 11q13.2.
Variant type: single nucleotide variant.
Coding change: c.946G>A on transcript NM_002335.4 (MANE Select); coding-DNA position 946, G replaced by A.
Protein change: p.Glu316Lys; replaces glutamic acid 316 with lysine.
Molecular consequence: missense variant. On other transcripts: 5 prime UTR variant (1).
Genome position (GRCh38, 1-based): chr11:68,365,633, G>A. VCF-style: chr11-68365633-G-A. GRCh37 (hg19) VCF-style: chr11-68133101-G-A.
Other names: c.946G>A (NM_002335.2); c.-820G>A (NM_001291902.2); short protein forms E316K.
Identifiers: ClinVar variation 2963553 (VCV002963553.5), dbSNP rs768757897, ClinGen allele CA6149168.

ClinVar aggregate classification (germline): Uncertain significance. Review status: criteria provided, multiple submitters, no conflicts (2 of 4 stars). 3 submissions from 3 submitters: Uncertain significance (3). Last evaluated 2025-10-16.

Conditions:
Inborn genetic diseases. Identifiers: MedGen C0950123, MeSH D030342.
Worth disease. Also called: ENDOSTEAL HYPEROSTOSIS, AUTOSOMAL DOMINANT; OSTEOSCLEROSIS, AUTOSOMAL DOMINANT; Autosomal dominant osteosclerosis, Worth type. Identifiers: Orphanet 2790, MedGen C0432273, MONDO:0007764, OMIM 144750.
Bone mineral density quantitative trait locus 1 (BMND1). Identifiers: MedGen C1866079, OMIM 601884.
Osteoporosis with pseudoglioma (OPPG). Also called: osteoporosis-pseudoglioma syndrome. Identifiers: Orphanet 2788, MedGen C0432252, MONDO:0009820, OMIM 259770.
Polycystic liver disease 4 with or without kidney cysts. Identifiers: MedGen C4693479, MONDO:0044327, OMIM 617875.
Exudative vitreoretinopathy 4 (EVR4). Identifiers: Orphanet 891, MedGen C1866176, MONDO:0011151, OMIM 601813.
Autosomal dominant osteopetrosis 1 (OPTA1). Also called: OSTEOPETROSIS, AUTOSOMAL DOMINANT, TYPE I. Identifiers: Orphanet 2783, MedGen C1843330, MONDO:0011877, OMIM 607634.

Allele frequency attached by ClinVar (database versions not stated): ExAC 0.00001; gnomAD 0.00001; TOPMed 0.00001; gnomAD exomes 0.00002.
gnomAD v4.1: 37 of 1,612,338 alleles (0.0023%); highest among the groups gnomAD compares: Non-Finnish European, 0.0029%; no homozygotes.

Submissions (3):

Labcorp Genetics (formerly Invitae), Labcorp
Classification: Uncertain significance. Last evaluated: 2025-10-16. Review status: criteria provided, single submitter. Criteria: Invitae Variant Classification Sherloc (09022015). Collection method: clinical testing. Allele origin: germline.
Comment: This sequence change replaces glutamic acid, which is acidic and polar, with lysine, which is basic and polar, at codon 316 of the LRP5 protein (p.Glu316Lys). This variant is present in population databases (rs768757897, gnomAD 0.0009%). This variant has not been reported in the literature in individuals affected with LRP5-related conditions. ClinVar contains an entry for this variant (Variation ID: 2963553). Invitae Evidence Modeling of protein sequence and biophysical properties (such as structural, functional, and spatial information, amino acid conservation, physicochemical variation, residue mobility, and thermodynamic stability) indicates that this missense variant is not expected to disrupt LRP5 protein function with a negative predictive value of 95%. In summary, the available evidence is currently insufficient to determine the role of this variant in disease. Therefore, it has been classified as a Variant of Uncertain Significance.

Ambry Genetics
Classification: Uncertain significance for Inborn genetic diseases. Last evaluated: 2025-07-02. Review status: criteria provided, single submitter. Criteria: Ambry Variant Classification Scheme 2023. Collection method: clinical testing. Allele origin: germline.

Fulgent Genetics
Classification: Uncertain significance for Worth disease; Osteoporosis with pseudoglioma; Exudative vitreoretinopathy 4; Bone mineral density quantitative trait locus 1; Autosomal dominant osteopetrosis 1; Polycystic liver disease 4 with or without kidney cysts. Last evaluated: 2023-12-27. Review status: criteria provided, single submitter. Criteria: ACMG Guidelines, 2015. Collection method: clinical testing. Allele origin: germline.